The following is an entry in ClinVar:

NM_001034853.2(RPGR):c.248-6T>G

Gene: RPGR (retinitis pigmentosa GTPase regulator; minus strand). Cytogenetic location: Xp11.4.
Variant type: single nucleotide variant.
Coding change: c.248-6T>G on transcript NM_001034853.2 (MANE Select); 6 bases into the intron before coding-DNA position 248, T replaced by G.
Molecular consequence: intron variant.
Genome position (GRCh38, 1-based): chrX:38,321,095, A>C on the plus strand (T>G on the coding strand, the complement: RPGR is on the minus strand). VCF-style: chrX-38321095-A-C. GRCh37 (hg19) VCF-style: chrX-38180348-A-C.
Other names: c.248-6T>G (NM_001367249.1, NM_001367250.1, NM_001367245.1 and 4 more transcripts); c.278-6T>G (NM_001367248.1).
Identifiers: ClinVar variation 4729765 (VCV004729765.1).

ClinVar aggregate classification (germline): Uncertain significance (1 of 4 stars; one submission).

Conditions:
Primary ciliary dyskinesia. Also called: Ciliary dyskinesia. Identifiers: Orphanet 244, MedGen C0008780, MONDO:0016575, HP:0012265.

Submission:

Labcorp Genetics (formerly Invitae), Labcorp
Classification: Uncertain significance for Primary ciliary dyskinesia. Last evaluated: 2025-10-23. Review status: criteria provided, single submitter. Criteria: Invitae Variant Classification Sherloc (09022015). Collection method: clinical testing. Allele origin: germline.
Comment: This sequence change falls in intron 3 of the RPGR gene. It does not directly change the encoded amino acid sequence of the RPGR protein. This variant is not present in population databases (gnomAD no frequency). This variant has not been reported in the literature in individuals affected with RPGR-related conditions. Algorithms developed to predict the effect of sequence changes on RNA splicing suggest that this variant may disrupt the consensus splice site. In summary, the available evidence is currently insufficient to determine the role of this variant in disease. Therefore, it has been classified as a Variant of Uncertain Significance.